The following is an entry in ClinVar:

NM_030813.6(CLPB):c.687G>C (p.Gln229His)

Gene: CLPB (ClpB family mitochondrial disaggregase; minus strand). Cytogenetic location: 11q13.4.
Variant type: single nucleotide variant.
Coding change: c.687G>C on transcript NM_030813.6 (MANE Plus Clinical); coding-DNA position 687, G replaced by C.
Protein change: p.Gln229His; replaces glutamine 229 with histidine.
Molecular consequence: missense variant. On other transcripts: intron variant (2).
Genome position (GRCh38, 1-based): chr11:72,372,974, C>G on the plus strand (G>C on the coding strand, the complement: CLPB is on the minus strand). VCF-style: chr11-72372974-C-G. GRCh37 (hg19) VCF-style: chr11-72084018-C-G.
Other names: c.552G>C, p.Gln184His (NM_001258394.3); c.559+7307G>C (NM_001258393.3); c.646+7307G>C (NM_001258392.3); short protein forms Q184H, Q229H.
Identifiers: ClinVar variation 3682706 (VCV003682706.2).
Genomic context (GRCh38, chr11:72,372,974, plus strand): 5'-AGTTCCATTACCGCCAGCGGGGAGTCCTAGCCATCTCCTGAACTCCAGGGCACTTGTCCA[C>G]TGGTTTGTGATGTGCCGGCTTGCACCGTCCTGTCCCCCATCTGAAGACACAGAGATGGGG-3'
Protein context (NP_110440.1, residues 219-239): QDGASRHITN[Gln229His]WTSALEFRRW

ClinVar aggregate classification (germline): Uncertain significance (1 of 4 stars; one submission).

Conditions:
3-methylglutaconic aciduria, type VIIB (MGCA7B). Also called: 3-methylglutaconic aciduria, type VII, with cataracts, neurologic involvement and neutropenia; CLPB Deficiency; 3-methylglutaconic aciduria with cataracts, neurologic involvement and neutropenia. Identifiers: Orphanet 445038, MedGen C5676893, MONDO:0014561, OMIM 616271.

gnomAD v4.1: 2 of 1,614,150 alleles (0.00012%); highest among the groups gnomAD compares: Admixed American, 0.0033%; no homozygotes.

Submission:

Labcorp Genetics (formerly Invitae), Labcorp
Classification: Uncertain significance for 3-methylglutaconic aciduria, type VIIB. Last evaluated: 2024-11-25. Review status: criteria provided, single submitter. Criteria: Invitae Variant Classification Sherloc (09022015). Collection method: clinical testing. Allele origin: germline.
Comment: This sequence change replaces glutamine, which is neutral and polar, with histidine, which is basic and polar, at codon 229 of the CLPB protein (p.Gln229His). This variant is present in population databases (no rsID available, gnomAD 0.006%). This variant has not been reported in the literature in individuals affected with CLPB-related conditions. An algorithm developed to predict the effect of missense changes on protein structure and function (PolyPhen-2) suggests that this variant is likely to be tolerated. In summary, the available evidence is currently insufficient to determine the role of this variant in disease. Therefore, it has been classified as a Variant of Uncertain Significance.